The following is an entry in ClinVar:

NM_001035.3(RYR2):c.623A>C (p.Gln208Pro)

Gene: RYR2 (ryanodine receptor 2; plus strand). Cytogenetic location: 1q43.
Variant type: single nucleotide variant.
Coding change: c.623A>C on transcript NM_001035.3 (MANE Select); coding-DNA position 623, A replaced by C.
Protein change: p.Gln208Pro; replaces glutamine 208 with proline.
Molecular consequence: missense variant.
Genome position (GRCh38, 1-based): chr1:237,387,327, A>C. VCF-style: chr1-237387327-A-C. GRCh37 (hg19) VCF-style: chr1-237550627-A-C.
Other names: short protein forms Q208P.
Identifiers: ClinVar variation 1470412 (VCV001470412.7), dbSNP rs778071716, ClinGen allele CA345377328.

ClinVar aggregate classification (germline): Uncertain significance (1 of 4 stars; one submission).

Conditions:
Catecholaminergic polymorphic ventricular tachycardia 1. Also called: RYR2-Related Catecholaminergic Polymorphic Ventricular Tachycardia; VENTRICULAR TACHYCARDIA, STRESS-INDUCED POLYMORPHIC 1; VENTRICULAR TACHYCARDIA, CATECHOLAMINERGIC POLYMORPHIC, 1, WITH OR WITHOUT ATRIAL DYSFUNCTION AND/OR DILATED CARDIOMYOPATHY. Identifiers: Orphanet 3286, MedGen C1631597, MONDO:0011484, OMIM 604772.

Submission:

Labcorp Genetics (formerly Invitae), Labcorp
Classification: Uncertain significance for Catecholaminergic polymorphic ventricular tachycardia 1. Last evaluated: 2021-10-04. Review status: criteria provided, single submitter. Criteria: Invitae Variant Classification Sherloc (09022015). Collection method: clinical testing. Allele origin: germline.
Comment: In summary, the available evidence is currently insufficient to determine the role of this variant in disease. Therefore, it has been classified as a Variant of Uncertain Significance. Algorithms developed to predict the effect of missense changes on protein structure and function (SIFT, PolyPhen-2, Align-GVGD) all suggest that this variant is likely to be disruptive. This variant has not been reported in the literature in individuals affected with RYR2-related conditions. This variant is not present in population databases (ExAC no frequency). This sequence change replaces glutamine with proline at codon 208 of the RYR2 protein (p.Gln208Pro). The glutamine residue is highly conserved and there is a moderate physicochemical difference between glutamine and proline.